The following is an entry in ClinVar:

ClinVar aggregate classification (germline): Likely benign (1 of 4 stars; one submission).

gnomAD v4.1: 1,734 of 1,614,272 alleles (0.11%); highest among the groups gnomAD compares: Admixed American, 0.13%; 1 homozygote.

Submission:

CeGaT Center for Human Genetics Tuebingen
Classification: Likely benign. Last evaluated: 2025-07-01. Review status: criteria provided, single submitter. Criteria: CeGaT Center For Human Genetics Tuebingen Variant Classification Criteria Version 2. Collection method: clinical testing. Allele origin: germline. Affected: yes. Observed: 1 variant allele.
Comment: DISC1: BP4

NM_018662.3(DISC1):c.860C>T (p.Pro287Leu)

Genes: DISC1 (DISC1 scaffold protein; plus strand), TSNAX-DISC1 (TSNAX-DISC1 readthrough (NMD candidate); plus strand). Cytogenetic location: 1q42.2.
Variant type: single nucleotide variant.
Coding change: c.860C>T on transcript NM_018662.3 (MANE Select); coding-DNA position 860, C replaced by T.
Protein change: p.Pro287Leu; replaces proline 287 with leucine.
Molecular consequence: missense variant. On other transcripts: non-coding transcript variant (8), intron variant (1).
Genome position (GRCh38, 1-based): chr1:231,694,618, C>T. VCF-style: chr1-231694618-C-T. GRCh37 (hg19) VCF-style: chr1-231830364-C-T.
Other names: c.860C>T, p.Pro287Leu (NM_001012957.2, NM_001012958.2, NM_001012959.2 and 18 more transcripts); c.68-55308C>T (NM_001164556.2); short protein forms P287L.
Identifiers: ClinVar variation 4083672 (VCV004083672.8).